The following is an entry in ClinVar:

NM_001130987.2(DYSF):c.6238C>T (p.Arg2080Trp)

Gene: DYSF (dysferlin; plus strand). Cytogenetic location: 2p13.2.
Variant type: single nucleotide variant.
Coding change: c.6238C>T on transcript NM_001130987.2 (MANE Select); coding-DNA position 6238, C replaced by T.
Protein change: p.Arg2080Trp; replaces arginine 2080 with tryptophan.
Molecular consequence: missense variant.
Genome position (GRCh38, 1-based): chr2:71,682,594, C>T. VCF-style: chr2-71682594-C-T. GRCh37 (hg19) VCF-style: chr2-71909724-C-T.
Other names: c.6124C>T, p.Arg2042Trp (NM_001130455.2); c.6079C>T, p.Arg2027Trp (NM_001130976.2); c.6142C>T, p.Arg2048Trp (NM_001130977.2); c.6184C>T, p.Arg2062Trp (NM_001130978.2); c.6214C>T, p.Arg2072Trp (NM_001130979.2); c.6172C>T, p.Arg2058Trp (NM_001130980.2); c.6235C>T, p.Arg2079Trp (NM_001130981.2); c.6217C>T, p.Arg2073Trp (NM_001130982.2); and 5 more; short protein forms R2041W, R2080W, R2028W, R2042W, R2049W, R2072W, R2073W, R2048W.
Identifiers: ClinVar variation 197966 (VCV000197966.13), dbSNP rs200990851, ClinGen allele CA246384.

ClinVar aggregate classification (germline): Uncertain significance. Review status: criteria provided, multiple submitters, no conflicts (2 of 4 stars). 8 submissions from 8 submitters: Uncertain significance (7). 1 of the submissions does not count toward it. Last evaluated 2026-09-01.

Conditions:
Inborn genetic diseases. Identifiers: MedGen C0950123, MeSH D030342.
Neuromuscular disease caused by qualitative or quantitative defects of dysferlin. Also called: Qualitative or quantitative defects of dysferlin; Dysferlinopathy. Identifiers: Orphanet 207073, MedGen C2931687, MONDO:0016145.
Autosomal recessive limb-girdle muscular dystrophy type 2B (LGMDR2). Also called: MUSCULAR DYSTROPHY, LIMB-GIRDLE, TYPE 3; Limb-Girdle Muscular Dystrophy Type 2B (LGMD2B); MUSCULAR DYSTROPHY, LIMB-GIRDLE, AUTOSOMAL RECESSIVE 2; Limb-girdle muscular dystrophy, type 2B. Identifiers: Orphanet 268, MedGen C1850889, MONDO:0009676, OMIM 253601.

Allele frequency attached by ClinVar (database versions not stated): ExAC 0.00002; gnomAD exomes 0.00003; gnomAD 0.00005; TOPMed 0.00006.
gnomAD v4.1: 56 of 1,614,016 alleles (0.0035%); highest among the groups gnomAD compares: East Asian, 0.0045%; no homozygotes.

Submissions (8):

CeGaT Center for Human Genetics Tuebingen
Classification: Uncertain significance. Last evaluated: 2026-09-01. Review status: criteria provided, single submitter. Criteria: CeGaT Center For Human Genetics Tuebingen Variant Classification Criteria Version 2. Collection method: clinical testing. Allele origin: germline. Affected: yes. Observed: 1 variant allele.
Comment: DYSF: PM2, PP3

Blueprint Genetics
Classification: Uncertain significance. Last evaluated: 2024-11-11. Review status: criteria provided, single submitter. Criteria: ACMG Guidelines, 2015. Collection method: clinical testing. Allele origin: germline.

Revvity Omics, Revvity
Classification: Uncertain significance. Last evaluated: 2024-11-04. Review status: criteria provided, single submitter. Criteria: ACMG Guidelines, 2015. Collection method: clinical testing. Allele origin: germline.

Ambry Genetics
Classification: Uncertain significance for Inborn genetic diseases. Last evaluated: 2023-12-15. Review status: criteria provided, single submitter. Criteria: Ambry Variant Classification Scheme 2023. Collection method: clinical testing. Allele origin: germline.

Labcorp Genetics (formerly Invitae), Labcorp
Classification: Uncertain significance for Neuromuscular disease caused by qualitative or quantitative defects of dysferlin. Last evaluated: 2022-01-13. Review status: criteria provided, single submitter. Criteria: Invitae Variant Classification Sherloc (09022015). Collection method: clinical testing. Allele origin: germline.
Comment: This sequence change replaces arginine, which is basic and polar, with tryptophan, which is neutral and slightly polar, at codon 2041 of the DYSF protein (p.Arg2041Trp). This variant is present in population databases (rs200990851, gnomAD 0.005%). This variant has not been reported in the literature in individuals affected with DYSF-related conditions. ClinVar contains an entry for this variant (Variation ID: 197966). Advanced modeling of protein sequence and biophysical properties (such as structural, functional, and spatial information, amino acid conservation, physicochemical variation, residue mobility, and thermodynamic stability) performed at Invitae indicates that this missense variant is expected to disrupt DYSF protein function. In summary, the available evidence is currently insufficient to determine the role of this variant in disease. Therefore, it has been classified as a Variant of Uncertain Significance.

GeneDx
Classification: Uncertain significance. Last evaluated: 2017-08-18. Review status: criteria provided, single submitter. Criteria: GeneDx Variant Classification (06012015). Collection method: clinical testing. Allele origin: germline. Affected: yes.
Comment: The R2041W variant in the DYSF gene has not been reported previously as a pathogenic variant, nor as a benign variant, to our knowledge. This variant is not observed at a significant frequency in large population cohorts (Lek et al., 2016; 1000 Genomes Consortium et al., 2015; Exome Variant Server). The R2041W variant is a non-conservative amino acid substitution, which is likely to impact secondary protein structure as these residues differ in polarity, charge, size and/or other properties. In addition, this substitution occurs at a position that is conserved across species, and in silico analysis predicts this variant is probably damaging to the protein structure/function. We interpret R2041W as a variant of uncertain significance.

Eurofins Ntd Llc (ga)
Classification: Uncertain significance. Last evaluated: 2014-10-21. Review status: criteria provided, single submitter. Criteria: EGL Classification Definitions 2015. Collection method: clinical testing. Allele origin: germline. Observed: 1 variant allele, 1 heterozygote.

Natera, Inc.
Classification: Uncertain significance for Limb-girdle muscular dystrophy type 2B. Last evaluated: 2020-02-21. Review status: no assertion criteria provided. Collection method: clinical testing. Allele origin: germline. Not counted in ClinVar's aggregate classification.